The following is an entry in ClinVar:

ClinVar aggregate classification (germline): Uncertain significance (1 of 4 stars; one submission).

Submission:

GeneDx
Classification: Uncertain significance. Last evaluated: 2025-07-14. Review status: criteria provided, single submitter. Criteria: GeneDx Variant Classification Process June 2021. Collection method: clinical testing. Allele origin: germline. Affected: yes.
Comment: Not observed at significant frequency in large population cohorts (gnomAD); In silico analysis supports that this missense variant has a deleterious effect on protein structure/function; Has not been previously published as pathogenic or benign to our knowledge

NM_000834.5(GRIN2B):c.4022A>G (p.Glu1341Gly)

Gene: GRIN2B (glutamate ionotropic receptor NMDA type subunit 2B; minus strand). Cytogenetic location: 12p13.1.
Variant type: single nucleotide variant.
Coding change: c.4022A>G on transcript NM_000834.5 (MANE Select); coding-DNA position 4022, A replaced by G.
Protein change: p.Glu1341Gly; replaces glutamic acid 1341 with glycine.
Molecular consequence: missense variant.
Genome position (GRCh38, 1-based): chr12:13,563,216, T>C on the plus strand (A>G on the coding strand, the complement: GRIN2B is on the minus strand). VCF-style: chr12-13563216-T-C. GRCh37 (hg19) VCF-style: chr12-13716150-T-C.
Other names: c.4022A>G, p.Glu1341Gly (NM_001413992.1); short protein forms E1341G.
Identifiers: ClinVar variation 4686387 (VCV004686387.1).